The following is an entry in ClinVar:

NM_138409.4(MRAP2):c.228-7T>A

Gene: MRAP2 (melanocortin 2 receptor accessory protein 2; plus strand). Cytogenetic location: 6q14.2.
Variant type: single nucleotide variant.
Coding change: c.228-7T>A on transcript NM_138409.4 (MANE Select); 7 bases into the intron before coding-DNA position 228, T replaced by A.
Molecular consequence: intron variant.
Genome position (GRCh38, 1-based): chr6:84,089,084, T>A. VCF-style: chr6-84089084-T-A. GRCh37 (hg19) VCF-style: chr6-84798803-T-A.
Other names: c.228-7T>A (NM_001346542.2, NM_001346544.2); c.63-7T>A (NM_001346543.2); c.-31-7T>A (NM_001346541.2).
Identifiers: ClinVar variation 3349792 (VCV003349792.1).
Genomic context (GRCh38, chr6:84,089,084, plus strand): 5'-AAAACCATGATTCTGCAGGTGAATGGGCTGGAGTGTAAGCAGTCTTTTATTTTCTTTTTT[T>A]AAATAGCAATGCAGAGTCCTCAGAGAAGAGATTCAGAATGAACAGCTTTGTGTCAGACTT-3'

ClinVar aggregate classification (germline): Likely benign (0 of 4 stars; one submission).

Conditions:
MRAP2-related disorder. Also called: MRAP2-related condition.

gnomAD v4.1: 4 of 1,591,416 alleles (0.00025%); highest among the groups gnomAD compares: South Asian, 0.0023%; no homozygotes.

Submission:

PreventionGenetics, part of Exact Sciences
Classification: Likely benign for MRAP2-related condition. Last evaluated: 2023-11-08. Review status: no assertion criteria provided. Collection method: clinical testing. Allele origin: germline.
Comment: This variant is classified as likely benign based on ACMG/AMP sequence variant interpretation guidelines (Richards et al. 2015 PMID: 25741868, with internal and published modifications).